The following is an entry in ClinVar:

NM_007294.4(BRCA1):c.4911A>C (p.Pro1637=)

Gene: BRCA1 (BRCA1 DNA repair associated; minus strand). Cytogenetic location: 17q21.31.
Variant type: single nucleotide variant.
Coding change: c.4911A>C on transcript NM_007294.4 (MANE Select); coding-DNA position 4911, A replaced by C.
Protein change: p.Pro1637=; no amino-acid change (proline 1637 retained).
Molecular consequence: synonymous variant. On other transcripts: intron variant (1).
Genome position (GRCh38, 1-based): chr17:43,071,003, T>G on the plus strand (A>C on the coding strand, the complement: BRCA1 is on the minus strand). VCF-style: chr17-43071003-T-G. GRCh37 (hg19) VCF-style: chr17-41223020-T-G.
Other names: c.1476A>C, p.Pro492= (NM_001408441.1, NM_001408442.1, NM_001408443.1 and 10 more transcripts); c.1473A>C, p.Pro491= (NM_001408445.1, NM_001408446.1, NM_001408447.1 and 2 more transcripts); c.1467A>C, p.Pro489= (NM_001408451.1); c.1461A>C, p.Pro487= (NM_001408452.1, NM_001408453.1, NM_001408454.1 and 3 more transcripts); c.1458A>C, p.Pro486= (NM_001408458.1, NM_001408459.1, NM_001408460.1 and 7 more transcripts); c.1455A>C, p.Pro485= (NM_001408468.1, NM_001408469.1, NM_001408470.1); c.1599A>C, p.Pro533= (NM_001408472.1, NM_007298.4, NM_007299.4 and 13 more transcripts); c.1596A>C, p.Pro532= (NM_001408473.1, NM_001408392.1, NM_001408396.1 and 8 more transcripts); and 71 more.
Identifiers: ClinVar variation 868395 (VCV000868395.3), dbSNP rs2052381048, ClinGen allele CA500231679.

Conditions:
Breast-ovarian cancer, familial, susceptibility to, 1 (BROVCA1). Also called: BRCA1 Hereditary Breast and Ovarian Cancer; OVARIAN CANCER, SUSCEPTIBILITY TO. Identifiers: Orphanet 145, MedGen C2676676, MONDO:0011450, OMIM 604370. Disease mechanism: loss of function.

Submission:

Brotman Baty Institute, University of Washington
No classification provided (evidence only). Condition: Breast-ovarian cancer, familial 1. Review status: no classification provided. Collection method: in vitro. Allele origin: not applicable. Functional consequence: functionally_normal.
ClinVar note: "not provided" was previously submitted as the classification for the variant. However, the classification appeared to be based only on an observation of functional data so it was converted to no classification on 2025-07-30.